The following is an entry in ClinVar:

NM_004260.4(RECQL4):c.634C>T (p.Leu212=)

Gene: RECQL4 (RecQ like helicase 4; minus strand). Cytogenetic location: 8q24.3.
Variant type: single nucleotide variant.
Coding change: c.634C>T on transcript NM_004260.4 (MANE Select); coding-DNA position 634, C replaced by T.
Protein change: p.Leu212=; no amino-acid change (leucine 212 retained).
Molecular consequence: synonymous variant.
Genome position (GRCh38, 1-based): chr8:144,516,485, G>A on the plus strand (C>T on the coding strand, the complement: RECQL4 is on the minus strand). VCF-style: chr8-144516485-G-A. GRCh37 (hg19) VCF-style: chr8-145741869-G-A.
Identifiers: ClinVar variation 414212 (VCV000414212.38), dbSNP rs377012693, ClinGen allele CA4949229.

ClinVar aggregate classification (germline): Benign/Likely benign. Review status: criteria provided, multiple submitters, no conflicts (2 of 4 stars). 6 submissions from 6 submitters: Benign (1); Likely benign (4). 1 of the submissions does not count toward it. Last evaluated 2025-11-13.

Conditions:
RECQL4-related disorder. Also called: RECQL4-related condition; RECQL4-related disorders.
Inborn genetic diseases. Identifiers: MedGen C0950123, MeSH D030342.
Baller-Gerold syndrome (BGS). Also called: CRANIOSYNOSTOSIS WITH RADIAL DEFECTS. Identifiers: Orphanet 1225, MedGen C0265308, MONDO:0009039, OMIM 218600.
Rapadilino syndrome. Identifiers: Orphanet 3021, MedGen C1849453, MONDO:0009955, OMIM 266280.

Allele frequency attached by ClinVar (database versions not stated): TOPMed 0.00002; gnomAD exomes 0.00004; ExAC 0.00006; ESP Exome Variant Server 0.00008.

Submissions (6):

Labcorp Genetics (formerly Invitae), Labcorp
Classification: Likely benign for Baller-Gerold syndrome. Last evaluated: 2025-11-13. Review status: criteria provided, single submitter. Criteria: Invitae Variant Classification Sherloc (09022015). Collection method: clinical testing. Allele origin: germline.

KCCC/NGS Laboratory, Kuwait Cancer Control Center
Classification: Benign for Rapadilino syndrome. Last evaluated: 2025-02-01. Review status: criteria provided, single submitter. Criteria: ACMG Guidelines, 2015. Collection method: clinical testing. Allele origin: germline. Affected: no.

Ambry Genetics
Classification: Likely benign for Inborn genetic diseases. Last evaluated: 2024-11-20. Review status: criteria provided, single submitter. Criteria: Ambry Variant Classification Scheme 2023. Collection method: clinical testing. Allele origin: germline.

CeGaT Center for Human Genetics Tuebingen
Classification: Likely benign. Last evaluated: 2024-07-01. Review status: criteria provided, single submitter. Criteria: CeGaT Center For Human Genetics Tuebingen Variant Classification Criteria Version 2. Collection method: clinical testing. Allele origin: germline. Affected: yes. Observed: 2 variant alleles.
Comment: RECQL4: BP4, BP7

Blueprint Genetics
Classification: Likely benign. Last evaluated: 2023-06-16. Review status: criteria provided, single submitter. Criteria: ACMG Guidelines, 2015. Collection method: clinical testing. Allele origin: germline.

PreventionGenetics, part of Exact Sciences
Classification: Likely benign for RECQL4-related condition. Last evaluated: 2019-02-19. Review status: no assertion criteria provided. Collection method: clinical testing. Allele origin: germline. Not counted in ClinVar's aggregate classification.
Comment: This variant is classified as likely benign based on ACMG/AMP sequence variant interpretation guidelines (Richards et al. 2015 PMID: 25741868, with internal and published modifications).